The following is an entry in ClinVar:

NC_000023.10:g.(?_9707505)_(9716726_?)del

Gene: GPR143 (G protein-coupled receptor 143; minus strand). Cytogenetic location: Xp22.2.
Variant type: Deletion.
Identifiers: ClinVar variation 3245734 (VCV003245734.1).

ClinVar aggregate classification (germline): Pathogenic (1 of 4 stars; one submission).

Submission:

Labcorp Genetics (formerly Invitae), Labcorp
Classification: Pathogenic. Last evaluated: 2023-06-09. Review status: criteria provided, single submitter. Criteria: Invitae Variant Classification Sherloc (09022015). Collection method: clinical testing. Allele origin: unknown.
Comment: For these reasons, this variant has been classified as Pathogenic. The region of the GPR143 gene that includes exon(s) 4 has been determined to be clinically significant (PMID: 9529334, 27734839). Therefore, deletions that encompass that region are likely to be disease-causing. This variant has not been reported in the literature in individuals affected with GPR143-related conditions. This variant is a gross deletion of the genomic region encompassing exon(s) 4-8 of the GPR143 gene. While this deletion is not anticipated to lead to nonsense mediated decay, it is expected to disrupt the C-terminus of the protein.

Literature cited by the submitters: PubMed 9529334; PubMed 27734839.